The following is an entry in ClinVar:

NM_017668.3(NDE1):c.700C>A (p.Arg234Ser)

Gene: NDE1 (nudE neurodevelopment protein 1; plus strand). Cytogenetic location: 16p13.11.
Variant type: single nucleotide variant.
Coding change: c.700C>A on transcript NM_017668.3 (MANE Select); coding-DNA position 700, C replaced by A.
Protein change: p.Arg234Ser; replaces arginine 234 with serine.
Molecular consequence: missense variant.
Genome position (GRCh38, 1-based): chr16:15,691,320, C>A. VCF-style: chr16-15691320-C-A. GRCh37 (hg19) VCF-style: chr16-15785177-C-A.
Other names: c.700C>A, p.Arg234Ser (NM_001143979.2); short protein forms R234S.
Identifiers: ClinVar variation 1304710 (VCV001304710.2), dbSNP rs201783071, ClinGen allele CA7920749.

ClinVar aggregate classification (germline): Uncertain significance (1 of 4 stars; one submission).

Allele frequency attached by ClinVar (database versions not stated): 1000 Genomes Project 0.00040; 1000 Genomes Project 30x 0.00031; ESP Exome Variant Server 0.00015.
gnomAD v4.1: 43 of 1,613,988 alleles (0.0027%); highest among the groups gnomAD compares: African/African-American, 0.053%; no homozygotes.

Submission:

GeneDx
Classification: Uncertain significance. Last evaluated: 2019-12-09. Review status: criteria provided, single submitter. Criteria: GeneDx Variant Classification Process June 2021. Collection method: clinical testing. Allele origin: germline. Affected: yes.
Comment: In silico analysis, which includes protein predictors and evolutionary conservation, supports that this variant does not alter protein structure/function; Has not been previously published as pathogenic or benign to our knowledge